The following is an entry in ClinVar:

NM_001853.4(COL9A3):c.689C>G (p.Pro230Arg)

Gene: COL9A3 (collagen type IX alpha 3 chain; plus strand). Cytogenetic location: 20q13.33.
Variant type: single nucleotide variant.
Coding change: c.689C>G on transcript NM_001853.4 (MANE Select); coding-DNA position 689, C replaced by G.
Protein change: p.Pro230Arg; replaces proline 230 with arginine.
Molecular consequence: missense variant.
Genome position (GRCh38, 1-based): chr20:62,826,208, C>G. VCF-style: chr20-62826208-C-G. GRCh37 (hg19) VCF-style: chr20-61457560-C-G.
Other names: short protein forms P230R.
Identifiers: ClinVar variation 1478131 (VCV001478131.7), dbSNP rs1600797657, ClinGen allele CA409591849.

ClinVar aggregate classification (germline): Uncertain significance. Review status: criteria provided, multiple submitters, no conflicts (2 of 4 stars). 2 submissions from 2 submitters: Uncertain significance (2). Last evaluated 2025-02-16.

Allele frequency attached by ClinVar (database versions not stated): gnomAD exomes below 0.00001; TOPMed below 0.00001.
gnomAD v4.1: 6 of 1,561,332 alleles (0.00038%); highest among the groups gnomAD compares: Non-Finnish European, 0.000087%; no homozygotes.

Submissions (2):

Labcorp Genetics (formerly Invitae), Labcorp
Classification: Uncertain significance. Last evaluated: 2025-02-16. Review status: criteria provided, single submitter. Criteria: Invitae Variant Classification Sherloc (09022015). Collection method: clinical testing. Allele origin: germline.
Comment: This sequence change replaces proline, which is neutral and non-polar, with arginine, which is basic and polar, at codon 230 of the COL9A3 protein (p.Pro230Arg). This variant is not present in population databases (gnomAD no frequency). This variant has not been reported in the literature in individuals affected with COL9A3-related conditions. ClinVar contains an entry for this variant (Variation ID: 1478131). Invitae Evidence Modeling of protein sequence and biophysical properties (such as structural, functional, and spatial information, amino acid conservation, physicochemical variation, residue mobility, and thermodynamic stability) indicates that this missense variant is not expected to disrupt COL9A3 protein function with a negative predictive value of 95%. In summary, the available evidence is currently insufficient to determine the role of this variant in disease. Therefore, it has been classified as a Variant of Uncertain Significance.

Blueprint Genetics
Classification: Uncertain significance. Last evaluated: 2022-09-20. Review status: criteria provided, single submitter. Criteria: ACMG Guidelines, 2015. Collection method: clinical testing. Allele origin: germline.